The following is an entry in ClinVar:

NM_002460.4(IRF4):c.1167G>A (p.Glu389=)

Genes: IRF4 (interferon regulatory factor 4; plus strand), LOC129995575 (ATAC-STARR-seq lymphoblastoid active region 23845; plus strand). Cytogenetic location: 6p25.3.
Variant type: single nucleotide variant.
Coding change: c.1167G>A on transcript NM_002460.4 (MANE Select); coding-DNA position 1167, G replaced by A.
Protein change: p.Glu389=; no amino-acid change (glutamic acid 389 retained).
Molecular consequence: synonymous variant. On other transcripts: non-coding transcript variant (1).
Genome position (GRCh38, 1-based): chr6:405,085, G>A. VCF-style: chr6-405085-G-A. GRCh37 (hg19) VCF-style: chr6-405085-G-A.
Other names: c.1164G>A, p.Glu388= (NM_001195286.2).
Identifiers: ClinVar variation 1671383 (VCV001671383.22), dbSNP rs138866854, ClinGen allele CA3612896.
Genomic context (GRCh38, chr6:405,085, plus strand): 5'-AGCGTTTGCTCACCACGGCCGCTCCCTGCCAAGATTCCAGGTGACTCTATGCTTTGGAGA[G>A]GAGTTTCCAGACCCTCAGAGGCAAAGAAAGCTCATCACAGCTCACGTGAGTCCTCAGTTA-3'
Protein context (NP_002451.2, residues 379-399): PRFQVTLCFG[Glu389=]EFPDPQRQRK

ClinVar aggregate classification (germline): Likely benign. Review status: criteria provided, multiple submitters, no conflicts (2 of 4 stars). 3 submissions from 3 submitters: Likely benign (3). Last evaluated 2025-10-12.

Allele frequency attached by ClinVar (database versions not stated): gnomAD 0.00003 and 0.00004; gnomAD exomes 0.00003 and 0.00006; ExAC 0.00004; TOPMed 0.00005; ESP Exome Variant Server 0.00008.
gnomAD v4.1: 55 of 1,613,902 alleles (0.0034%); highest among the groups gnomAD compares: Middle Eastern, 0.016%; no homozygotes.

Submissions (3):

Labcorp Genetics (formerly Invitae), Labcorp
Classification: Likely benign. Last evaluated: 2025-10-12. Review status: criteria provided, single submitter. Criteria: Invitae Variant Classification Sherloc (09022015). Collection method: clinical testing. Allele origin: germline.

CeGaT Center for Human Genetics Tuebingen
Classification: Likely benign. Last evaluated: 2024-12-01. Review status: criteria provided, single submitter. Criteria: CeGaT Center For Human Genetics Tuebingen Variant Classification Criteria Version 2. Collection method: clinical testing. Allele origin: germline. Affected: yes. Observed: 1 variant allele.
Comment: IRF4: BP4, BP7

Blueprint Genetics
Classification: Likely benign. Last evaluated: 2024-03-08. Review status: criteria provided, single submitter. Criteria: ACMG Guidelines, 2015. Collection method: clinical testing. Allele origin: germline.